The following is an entry in ClinVar:

ClinVar aggregate classification (germline): Uncertain significance (1 of 4 stars; one submission).

Submission:

Labcorp Genetics (formerly Invitae), Labcorp
Classification: Uncertain significance. Last evaluated: 2025-02-27. Review status: criteria provided, single submitter. Criteria: Invitae Variant Classification Sherloc (09022015). Collection method: clinical testing. Allele origin: germline.
Comment: This sequence change replaces leucine, which is neutral and non-polar, with proline, which is neutral and non-polar, at codon 916 of the TRPM1 protein (p.Leu916Pro). This variant is not present in population databases (gnomAD no frequency). This variant has not been reported in the literature in individuals affected with TRPM1-related conditions. Invitae Evidence Modeling of protein sequence and biophysical properties (such as structural, functional, and spatial information, amino acid conservation, physicochemical variation, residue mobility, and thermodynamic stability) indicates that this missense variant is expected to disrupt TRPM1 protein function with a positive predictive value of 80%. In summary, the available evidence is currently insufficient to determine the role of this variant in disease. Therefore, it has been classified as a Variant of Uncertain Significance.

NM_001252024.2(TRPM1):c.2813T>C (p.Leu938Pro)

Genes: TRPM1 (transient receptor potential cation channel subfamily M member 1; minus strand), TRPM1-AS1 (TRPM1 antisense RNA 1; plus strand). Cytogenetic location: 15q13.3.
Variant type: single nucleotide variant.
Coding change: c.2813T>C on transcript NM_001252024.2 (MANE Select); coding-DNA position 2813, T replaced by C.
Protein change: p.Leu938Pro; replaces leucine 938 with proline.
Molecular consequence: missense variant.
Genome position (GRCh38, 1-based): chr15:31,032,828, A>G on the plus strand (T>C on the coding strand, the complement: TRPM1 is on the minus strand). VCF-style: chr15-31032828-A-G. GRCh37 (hg19) VCF-style: chr15-31325031-A-G.
Other names: c.2864T>C, p.Leu955Pro (NM_001252020.2); c.2747T>C, p.Leu916Pro (NM_002420.6); short protein forms L916P, L955P, L938P.
Identifiers: ClinVar variation 3720492 (VCV003720492.2).